The following is an entry in ClinVar:

ClinVar aggregate classification (germline): Uncertain significance. Review status: no assertion criteria provided (0 of 4 stars). 2 submissions from 1 submitter: Uncertain significance (1). 1 of the submissions does not count toward it.

Submissions (2):

Richard Lifton Laboratory, Yale University School of Medicine
Classification: Uncertain significance. Review status: no assertion criteria provided. Collection method: not provided. Allele origin: somatic.
Comment: PCSK1:p.K234E
ClinVar note: Converted during submission from unknown to Uncertain significance.

Richard Lifton Laboratory, Yale University School of Medicine
Classification: Uncertain significance. Review status: flagged submission. Collection method: not provided. Allele origin: somatic. Not counted in ClinVar's aggregate classification.
ClinVar note: Converted during submission from unknown to Uncertain significance.
ClinVar note: Reason: This record appears to be redundant with a more recent record from the same submitter.
ClinVar note: Notes: SCV000120032 appears to be redundant with SCV000155135.

NM_000439.5(PCSK1):c.700A>G (p.Lys234Glu)

Genes: CAST (calpastatin; plus strand), PCSK1 (proprotein convertase subtilisin/kexin type 1; minus strand), LOC101929710 (uncharacterized LOC101929710; plus strand). Cytogenetic location: 5q15.
Variant type: single nucleotide variant.
Coding change: c.700A>G on transcript NM_000439.5 (MANE Select); coding-DNA position 700, A replaced by G.
Protein change: p.Lys234Glu; replaces lysine 234 with glutamic acid.
Molecular consequence: missense variant.
Genome position (GRCh38, 1-based): chr5:96,416,042, T>C on the plus strand (A>G on the coding strand, the complement: PCSK1 is on the minus strand). VCF-style: chr5-96416042-T-C. GRCh37 (hg19) VCF-style: chr5-95751746-T-C.
Other names: c.559A>G, p.Lys187Glu (NM_001177875.2); short protein forms K234E, K187E.
Identifiers: ClinVar variation 100812 (VCV000100812.2), dbSNP rs483352693, ClinGen allele CA229007.